The following is an entry in ClinVar:

NM_000138.5(FBN1):c.2677+1G>A

Gene: FBN1 (fibrillin 1; minus strand). Cytogenetic location: 15q21.1.
Variant type: single nucleotide variant.
Coding change: c.2677+1G>A on transcript NM_000138.5 (MANE Select); the canonical splice donor site of the intron after coding-DNA position 2677, G replaced by A.
Molecular consequence: splice donor variant.
Genome position (GRCh38, 1-based): chr15:48,495,122, C>T on the plus strand (G>A on the coding strand, the complement: FBN1 is on the minus strand). VCF-style: chr15-48495122-C-T. GRCh37 (hg19) VCF-style: chr15-48787319-C-T.
Other names: c.2677+1G>A (NM_000138.4, NM_001406716.1).
Identifiers: ClinVar variation 2925565 (VCV002925565.4), dbSNP rs2505570622, ClinGen allele CA392331859.

ClinVar aggregate classification (germline): Likely pathogenic. Review status: criteria provided, single submitter (1 of 4 stars). 2 submissions from 2 submitters: Likely pathogenic (1). 1 of the submissions does not count toward it. Last evaluated 2023-05-09.

Conditions:
FBN1-related disorder. Also called: FBN1-related disorders.
Marfan syndrome (MFS). Also called: MARFAN SYNDROME, TYPE I; Marfan syndrome type 1; Marfan's syndrome; Marfan syndrome, classic; FBN1-Related Marfan Syndrome. Identifiers: Orphanet 284963, Orphanet 558, MedGen C0024796, MONDO:0007947, OMIM 154700.
Familial thoracic aortic aneurysm and aortic dissection (TAAD). Also called: Thoracic aortic aneurysms and dissections. Identifiers: Orphanet 91387, MedGen C4707243, MONDO:0019625.

Submissions (2):

Labcorp Genetics (formerly Invitae), Labcorp
Classification: Likely pathogenic for Marfan syndrome; Familial thoracic aortic aneurysm and aortic dissection. Last evaluated: 2023-05-09. Review status: criteria provided, single submitter. Criteria: Invitae Variant Classification Sherloc (09022015). Collection method: clinical testing. Allele origin: germline.
Comment: In summary, the currently available evidence indicates that the variant is pathogenic, but additional data are needed to prove that conclusively. Therefore, this variant has been classified as Likely Pathogenic. Algorithms developed to predict the effect of sequence changes on RNA splicing suggest that this variant may disrupt the consensus splice site. Disruption of this splice site has been observed in individual(s) with Marfan syndrome (Invitae). This variant is not present in population databases (gnomAD no frequency). This sequence change affects a donor splice site in intron 22 of the FBN1 gene. It is expected to disrupt RNA splicing. Variants that disrupt the donor or acceptor splice site typically lead to a loss of protein function (PMID: 16199547), and loss-of-function variants in FBN1 are known to be pathogenic (PMID: 17657824, 19293843).

PreventionGenetics, part of Exact Sciences
Classification: Pathogenic for FBN1-related condition. Last evaluated: 2024-06-11. Review status: no assertion criteria provided. Collection method: clinical testing. Allele origin: germline. Not counted in ClinVar's aggregate classification.
Comment: The FBN1 c.2677+1G>A variant is predicted to disrupt the GT donor site and interfere with normal splicing. This variant has been reported in an individual with Marfan syndrome (supplementary data, Groth et al. 2017. PubMed ID: 27906200). This variant has not been reported in a large population database, indicating this variant is rare. In ClinVar, this variant has been interpreted as likely pathogenic. Variants that disrupt the consensus splice donor site in FBN1 are expected to be pathogenic. This variant is interpreted as pathogenic.

Literature cited by the submitters: PubMed 16199547 (cited by Labcorp Genetics (formerly Invitae), Labcorp); PubMed 17657824 (cited by Labcorp Genetics (formerly Invitae), Labcorp); PubMed 19293843 (cited by Labcorp Genetics (formerly Invitae), Labcorp).